The following is an entry in ClinVar:

NM_133642.5(LARGE1):c.259C>A (p.Gln87Lys)

Gene: LARGE1 (LARGE xylosyl- and glucuronyltransferase 1; minus strand). Cytogenetic location: 22q12.3.
Variant type: single nucleotide variant.
Coding change: c.259C>A on transcript NM_133642.5 (MANE Select); coding-DNA position 259, C replaced by A.
Protein change: p.Gln87Lys; replaces glutamine 87 with lysine.
Molecular consequence: missense variant.
Genome position (GRCh38, 1-based): chr22:33,650,516, G>T on the plus strand (C>A on the coding strand, the complement: LARGE1 is on the minus strand). VCF-style: chr22-33650516-G-T. GRCh37 (hg19) VCF-style: chr22-34046502-G-T.
Other names: p.Gln87Lys; c.259C>A (NM_004737.6); c.259C>A, p.Gln87Lys (NM_001362949.2, NM_001362951.2, NM_001362953.2 and 7 more transcripts); short protein forms Q87K.
Identifiers: ClinVar variation 1588350 (VCV001588350.14), dbSNP rs373853930, ClinGen allele CA10203107.
Genomic context (GRCh38, chr22:33,650,516, plus strand): 5'-CCTCCTCCATGGAGTAGGTCTTGGAGTGGTTGCCTCGGCGATGGGATGGGGCTCGGCCCT[G>T]GGCCAGGCTGAGCTGCCTGCGGAGGGCGCGGTTCTCCTCCTCCACCTCGCGCATGCGCAC-3'
Protein context (NP_598397.1, residues 77-97): RALRRQLSLA[Gln87Lys]GRAPSHRRGN

ClinVar aggregate classification (germline): Conflicting classifications of pathogenicity. Review status: criteria provided, conflicting classifications (1 of 4 stars). 4 submissions from 4 submitters: Uncertain significance (2); Likely benign (2). Last evaluated 2026-02-12.

Conditions:
Muscular dystrophy-dystroglycanopathy type B6 (MDDGB6). Also called: MUSCULAR DYSTROPHY-DYSTROGLYCANOPATHY (CONGENITAL WITH IMPAIRED INTELLECTUAL DEVELOPMENT), TYPE B, 6; MUSCULAR DYSTROPHY, CONGENITAL, LARGE-RELATED; MUSCULAR DYSTROPHY, CONGENITAL, TYPE 1D. Identifiers: MedGen C1837229, MONDO:0012138, OMIM 608840.

Allele frequency attached by ClinVar (database versions not stated): TOPMed 0.00002; gnomAD 0.00004 and 0.00011; gnomAD exomes 0.00013; ESP Exome Variant Server 0.00015; ExAC 0.00019.
gnomAD v4.1: 182 of 1,612,834 alleles (0.011%); highest among the groups gnomAD compares: South Asian, 0.11%; 6 homozygotes.

Submissions (4):

GeneDx
Classification: Uncertain significance. Last evaluated: 2026-02-12. Review status: criteria provided, single submitter. Criteria: GeneDx Variant Classification Process June 2021. Collection method: clinical testing. Allele origin: germline. Affected: yes.
Comment: In silico analysis suggests that this missense variant does not alter protein structure/function; Has not been previously published as pathogenic or benign to our knowledge; This variant is associated with the following publications: (PMID: 24709677, 25279699)

Labcorp Genetics (formerly Invitae), Labcorp
Classification: Likely benign for Muscular dystrophy-dystroglycanopathy type B6. Last evaluated: 2026-01-25. Review status: criteria provided, single submitter. Criteria: Invitae Variant Classification Sherloc (09022015). Collection method: clinical testing. Allele origin: germline.

Mayo Clinic Laboratories, Mayo Clinic
Classification: Likely benign. Last evaluated: 2025-03-18. Review status: criteria provided, single submitter. Criteria: ACMG Guidelines, 2015. Collection method: clinical testing. Allele origin: germline. Observed: 2 variant alleles.
Comment: BS1, BP4

Revvity Omics, Revvity
Classification: Uncertain significance. Last evaluated: 2022-09-20. Review status: criteria provided, single submitter. Criteria: ACMG Guidelines, 2015. Collection method: clinical testing. Allele origin: germline.